The following is an entry in ClinVar:

NM_024700.4(SNIP1):c.277C>T (p.Arg93Cys)

Gene: SNIP1 (Smad nuclear interacting protein 1; minus strand). Cytogenetic location: 1p34.3.
Variant type: single nucleotide variant.
Coding change: c.277C>T on transcript NM_024700.4 (MANE Select); coding-DNA position 277, C replaced by T.
Protein change: p.Arg93Cys; replaces arginine 93 with cysteine.
Molecular consequence: missense variant.
Genome position (GRCh38, 1-based): chr1:37,552,695, G>A on the plus strand (C>T on the coding strand, the complement: SNIP1 is on the minus strand). VCF-style: chr1-37552695-G-A. GRCh37 (hg19) VCF-style: chr1-38018296-G-A.
Other names: short protein forms R93C.
Identifiers: ClinVar variation 2740941 (VCV002740941.2), dbSNP rs760283604, ClinGen allele CA771385.

ClinVar aggregate classification (germline): Uncertain significance (1 of 4 stars; one submission).

Allele frequency attached by ClinVar (database versions not stated): gnomAD 0.00001; ExAC 0.00002.

Submission:

Labcorp Genetics (formerly Invitae), Labcorp
Classification: Uncertain significance. Last evaluated: 2023-12-22. Review status: criteria provided, single submitter. Criteria: Invitae Variant Classification Sherloc (09022015). Collection method: clinical testing. Allele origin: germline.
Comment: This sequence change replaces arginine, which is basic and polar, with cysteine, which is neutral and slightly polar, at codon 93 of the SNIP1 protein (p.Arg93Cys). This variant is present in population databases (rs760283604, gnomAD 0.005%). This variant has not been reported in the literature in individuals affected with SNIP1-related conditions. Advanced modeling of protein sequence and biophysical properties (such as structural, functional, and spatial information, amino acid conservation, physicochemical variation, residue mobility, and thermodynamic stability) performed at Invitae indicates that this missense variant is expected to disrupt SNIP1 protein function with a positive predictive value of 80%. In summary, the available evidence is currently insufficient to determine the role of this variant in disease. Therefore, it has been classified as a Variant of Uncertain Significance.